The following is an entry in ClinVar:

NM_007113.4(TCHH):c.5686C>T (p.Arg1896Cys)

Gene: TCHH (trichohyalin; minus strand). Cytogenetic location: 1q21.3.
Variant type: single nucleotide variant.
Coding change: c.5686C>T on transcript NM_007113.4 (MANE Select); coding-DNA position 5686, C replaced by T.
Protein change: p.Arg1896Cys; replaces arginine 1896 with cysteine.
Molecular consequence: missense variant.
Genome position (GRCh38, 1-based): chr1:152,107,531, G>A on the plus strand (C>T on the coding strand, the complement: TCHH is on the minus strand). VCF-style: chr1-152107531-G-A. GRCh37 (hg19) VCF-style: chr1-152080007-G-A.
Other names: short protein forms R1896C.
Identifiers: ClinVar variation 5030583 (VCV005030583.1).
Genomic context (GRCh38, chr1:152,107,531, plus strand): 5'-CGGGCTCCAGAAGCCGCCCATGGCCCTTCCCTTCTTGGGATTTTATCTCCCCGACTTGGC[G>A]GTGCCTCTGTTCCTCCTTCTGCTGGCGGCGGATGTGTTCTTCCCGTAATTTCCTTTCCCG-3'
Protein context (NP_009044.2, residues 1886-1906): RRQQKEEQRH[Arg1896Cys]QVGEIKSQEG

ClinVar aggregate classification (germline): Uncertain significance (1 of 4 stars; one submission).

gnomAD v4.1: 24 of 1,614,152 alleles (0.0015%); highest among the groups gnomAD compares: Admixed American, 0.037%; no homozygotes.

Submission:

Ambry Genetics
Classification: Uncertain significance. Last evaluated: 2026-08-03. Review status: criteria provided, single submitter. Criteria: Ambry Variant Classification Scheme 2023. Collection method: clinical testing. Allele origin: germline.
Comment: The c.5686C>T (p.R1896C) alteration is located in exon 2 (coding exon 2) of the TCHH gene. This alteration results from a C to T substitution at nucleotide position 5686, causing the arginine (R) at amino acid position 1896 to be replaced by a cysteine (C). Based on data from gnomAD, the T allele has an overall frequency of 0.006% (16/249574) total alleles studied. The highest observed frequency was 0.043% (15/34526) of Latino alleles. Based on insufficient or conflicting evidence, the clinical significance of this alteration remains unclear.